The following is an entry in ClinVar:

NM_014587.5(SOX8):c.605A>G (p.Tyr202Cys)

Gene: SOX8 (SRY-box transcription factor 8; plus strand). Cytogenetic location: 16p13.3.
Variant type: single nucleotide variant.
Coding change: c.605A>G on transcript NM_014587.5 (MANE Select); coding-DNA position 605, A replaced by G.
Protein change: p.Tyr202Cys; replaces tyrosine 202 with cysteine.
Molecular consequence: missense variant.
Genome position (GRCh38, 1-based): chr16:983,910, A>G. VCF-style: chr16-983910-A-G. GRCh37 (hg19) VCF-style: chr16-1033910-A-G.
Other names: short protein forms Y202C.
Identifiers: ClinVar variation 3346956 (VCV003346956.1).
Genomic context (GRCh38, chr16:983,910, plus strand): 5'-GCCACAGCGACTCCGACTCGGGCGCGGAGCTGGGACCCCACCCTGGCGGCGGTGCCGTGT[A>G]CAAGGCTGAAGCAGGGCTTGGAGATGGGCACCACCATGGCGACCACACAGGTGGGCTCCA-3'
Protein context (NP_055402.2, residues 192-212): LGPHPGGGAV[Tyr202Cys]KAEAGLGDGH

ClinVar aggregate classification (germline): Uncertain significance (0 of 4 stars; one submission).

Conditions:
SOX8-related disorder. Also called: SOX8-related condition.

Submission:

PreventionGenetics, part of Exact Sciences
Classification: Uncertain significance for SOX8-related condition. Last evaluated: 2024-08-02. Review status: no assertion criteria provided. Collection method: clinical testing. Allele origin: germline.
Comment: The SOX8 c.605A>G variant is predicted to result in the amino acid substitution p.Tyr202Cys. To our knowledge, this variant has not been reported in the literature or in a large population database, indicating this variant is rare. At this time, the clinical significance of this variant is uncertain due to the absence of conclusive functional and genetic evidence.